The following is an entry in ClinVar:

ClinVar aggregate classification (germline): Uncertain significance (1 of 4 stars; one submission).

Conditions:
Alstrom syndrome (ALMS). Identifiers: Orphanet 64, MedGen C0268425, MONDO:0008763, OMIM 203800.

Submission:

Labcorp Genetics (formerly Invitae), Labcorp
Classification: Uncertain significance for Alstrom syndrome. Last evaluated: 2022-07-19. Review status: criteria provided, single submitter. Criteria: Invitae Variant Classification Sherloc (09022015). Collection method: clinical testing. Allele origin: germline.
Comment: This sequence change replaces glutamine, which is neutral and polar, with histidine, which is basic and polar, at codon 634 of the ALMS1 protein (p.Gln634His). This variant is not present in population databases (gnomAD no frequency). This variant has not been reported in the literature in individuals affected with ALMS1-related conditions. Experimental studies and prediction algorithms are not available or were not evaluated, and the functional significance of this variant is currently unknown. In summary, the available evidence is currently insufficient to determine the role of this variant in disease. Therefore, it has been classified as a Variant of Uncertain Significance.

NM_001378454.1(ALMS1):c.1899A>T (p.Gln633His)

Gene: ALMS1 (ALMS1 centrosome and basal body associated protein; plus strand). Cytogenetic location: 2p13.1.
Variant type: single nucleotide variant.
Coding change: c.1899A>T on transcript NM_001378454.1 (MANE Select); coding-DNA position 1899, A replaced by T.
Protein change: p.Gln633His; replaces glutamine 633 with histidine.
Molecular consequence: missense variant.
Genome position (GRCh38, 1-based): chr2:73,448,426, A>T. VCF-style: chr2-73448426-A-T. GRCh37 (hg19) VCF-style: chr2-73675553-A-T.
Other names: c.1902A>T, p.Gln634His (NM_015120.4); short protein forms Q633H, Q634H.
Identifiers: ClinVar variation 2071336 (VCV002071336.1), dbSNP rs116033693, ClinGen allele CA347265738.
Genomic context (GRCh38, chr2:73,448,426, plus strand): 5'-CATGTCAACTCTAACCTCTACTTCCTACTCACATAGAGAGAAGCCTGGTACTTTTTACCA[A>T]CAAGAGTTACCAGAGAGTAACTTAACCGAAGAGCCTTTGGAAGTTTCAGCTGCTCCTGGC-3'
Protein context (NP_001365383.1, residues 623-643): SHREKPGTFY[Gln633His]QELPESNLTE